The following is an entry in ClinVar:

NM_001023.4(RPS20):c.177G>A (p.Lys59=)

Gene: RPS20 (ribosomal protein S20; minus strand). Cytogenetic location: 8q12.1.
Variant type: single nucleotide variant.
Coding change: c.177G>A on transcript NM_001023.4 (MANE Select); coding-DNA position 177, G replaced by A.
Protein change: p.Lys59=; no amino-acid change (lysine 59 retained).
Molecular consequence: synonymous variant.
Genome position (GRCh38, 1-based): chr8:56,073,695, C>T on the plus strand (G>A on the coding strand, the complement: RPS20 is on the minus strand). VCF-style: chr8-56073695-C-T. GRCh37 (hg19) VCF-style: chr8-56986254-C-T.
Other names: c.177G>A, p.Lys59= (NM_001146227.3).
Identifiers: ClinVar variation 1494005 (VCV001494005.6), dbSNP rs2129213263, ClinGen allele CA461101548.

ClinVar aggregate classification (germline): Uncertain significance (1 of 4 stars; one submission).

Submission:

Labcorp Genetics (formerly Invitae), Labcorp
Classification: Uncertain significance. Last evaluated: 2021-08-08. Review status: criteria provided, single submitter. Criteria: Invitae Variant Classification Sherloc (09022015). Collection method: clinical testing. Allele origin: germline.
Comment: This sequence change affects codon 59 of the RPS20 mRNA. It is a 'silent' change, meaning that it does not change the encoded amino acid sequence of the RPS20 protein. This variant also falls at the last nucleotide of exon 3, which is part of the consensus splice site for this exon. This variant is not present in population databases (ExAC no frequency). This variant has not been reported in the literature in individuals affected with RPS20-related conditions. Variants that disrupt the consensus splice site are a relatively common cause of aberrant splicing (PMID: 17576681, 9536098). Algorithms developed to predict the effect of sequence changes on RNA splicing suggest that this variant may disrupt the consensus splice site. In summary, the available evidence is currently insufficient to determine the role of this variant in disease. Therefore, it has been classified as a Variant of Uncertain Significance.

Literature cited by the submitters: PubMed 17576681; PubMed 9536098.